The following is an entry in ClinVar:

NM_000540.3(RYR1):c.12961C>T (p.Arg4321Trp)

Gene: RYR1 (ryanodine receptor 1; plus strand). Cytogenetic location: 19q13.2.
Variant type: single nucleotide variant.
Coding change: c.12961C>T on transcript NM_000540.3 (MANE Select); coding-DNA position 12961, C replaced by T.
Protein change: p.Arg4321Trp; replaces arginine 4321 with tryptophan.
Molecular consequence: missense variant.
Genome position (GRCh38, 1-based): chr19:38,565,295, C>T. VCF-style: chr19-38565295-C-T. GRCh37 (hg19) VCF-style: chr19-39055935-C-T.
Other names: c.12946C>T, p.Arg4316Trp (NM_001042723.2); short protein forms R4316W, R4321W.
Identifiers: ClinVar variation 2721907 (VCV002721907.3), dbSNP rs2514677570, ClinGen allele CA405672739.

ClinVar aggregate classification (germline): Uncertain significance (1 of 4 stars; one submission).

Conditions:
RYR1-related disorder. Also called: RYR1-related condition; RYR1-related disorders. Identifiers: MedGen CN239331.

Allele frequency attached by ClinVar (database versions not stated): gnomAD exomes below 0.00001.
gnomAD v4.1: 3 of 1,043,236 alleles (0.00029%); highest among the groups gnomAD compares: Non-Finnish European, 0.00035%; no homozygotes.

Submission:

Labcorp Genetics (formerly Invitae), Labcorp
Classification: Uncertain significance for RYR1-related disorder. Last evaluated: 2023-12-22. Review status: criteria provided, single submitter. Criteria: Invitae Variant Classification Sherloc (09022015). Collection method: clinical testing. Allele origin: germline.
Comment: This sequence change replaces arginine, which is basic and polar, with tryptophan, which is neutral and slightly polar, at codon 4321 of the RYR1 protein (p.Arg4321Trp). This variant is not present in population databases (gnomAD no frequency). This variant has not been reported in the literature in individuals affected with RYR1-related conditions. Advanced modeling of protein sequence and biophysical properties (such as structural, functional, and spatial information, amino acid conservation, physicochemical variation, residue mobility, and thermodynamic stability) has been performed at Invitae for this missense variant, however the output from this modeling did not meet the statistical confidence thresholds required to predict the impact of this variant on RYR1 protein function. In summary, the available evidence is currently insufficient to determine the role of this variant in disease. Therefore, it has been classified as a Variant of Uncertain Significance.